The following is an entry in ClinVar:

ClinVar aggregate classification (germline): Uncertain significance (1 of 4 stars; one submission).

Conditions:
Dilated cardiomyopathy 1G (CMD1G). Identifiers: Orphanet 154, MedGen C1858763, MONDO:0011400, OMIM 604145.
Autosomal recessive limb-girdle muscular dystrophy type 2J (LGMDR10). Also called: Limb-girdle muscular dystrophy, type 2J; MUSCULAR DYSTROPHY, LIMB-GIRDLE, AUTOSOMAL RECESSIVE 10. Identifiers: Orphanet 140922, MedGen C1837342, MONDO:0012127, OMIM 608807.

Allele frequency attached by ClinVar (database versions not stated): gnomAD exomes below 0.00001; ExAC 0.00001.

Submission:

Labcorp Genetics (formerly Invitae), Labcorp
Classification: Uncertain significance for Dilated cardiomyopathy 1G; Autosomal recessive limb-girdle muscular dystrophy type 2J. Last evaluated: 2026-01-13. Review status: criteria provided, single submitter. Criteria: Invitae Variant Classification Sherloc (09022015). Collection method: clinical testing. Allele origin: germline.
Comment: This sequence change falls in intron 207 of the TTN gene. It does not directly change the encoded amino acid sequence of the TTN protein. It affects a nucleotide within the consensus splice site. This variant is present in population databases (rs754899622, gnomAD 0.007%). This variant has not been reported in the literature in individuals affected with TTN-related conditions. ClinVar contains an entry for this variant (Variation ID: 846278). Variants that disrupt the consensus splice site are a relatively common cause of aberrant splicing (PMID: 17576681, 9536098). Algorithms developed to predict the effect of sequence changes on RNA splicing suggest that this variant is not likely to affect RNA splicing. This variant is located in the I band of TTN (PMID: 25589632). Non-truncating variants in this region may be clinically relevant, but have not been definitively shown to cause cardiomyopathy or neuromuscular disease (PMID: 27493940, 32778822). In summary, the available evidence is currently insufficient to determine the role of this variant in disease. Therefore, it has been classified as a Variant of Uncertain Significance.

Literature cited by the submitters: PubMed 17576681; PubMed 9536098; PubMed 25589632; PubMed 27493940; PubMed 32778822.

NM_001267550.2(TTN):c.39547+4T>C

Gene: TTN (titin; minus strand). Cytogenetic location: 2q31.2.
Variant type: single nucleotide variant.
Coding change: c.39547+4T>C on transcript NM_001267550.2 (MANE Select); 4 bases into the intron after coding-DNA position 39547, T replaced by C.
Molecular consequence: intron variant.
Genome position (GRCh38, 1-based): chr2:178,651,449, A>G on the plus strand (T>C on the coding strand, the complement: TTN is on the minus strand). VCF-style: chr2-178651449-A-G. GRCh37 (hg19) VCF-style: chr2-179516176-A-G.
Other names: c.13283-9132T>C (NM_003319.4); c.13859-9132T>C (NM_133437.4); c.13658-9132T>C (NM_133432.3); c.32245+4T>C (NM_133378.4); c.35026+4T>C (NM_001256850.1).
Identifiers: ClinVar variation 846278 (VCV000846278.10), dbSNP rs754899622, ClinGen allele CA1996681.